The following is an entry in ClinVar:

ClinVar aggregate classification (germline): Pathogenic (1 of 4 stars; one submission).

Submission:

Labcorp Genetics (formerly Invitae), Labcorp
Classification: Pathogenic. Last evaluated: 2020-08-20. Review status: criteria provided, single submitter. Criteria: Invitae Variant Classification Sherloc (09022015). Collection method: clinical testing. Allele origin: germline.
Comment: This sequence change creates a premature translational stop signal (p.Asp373Phefs*5) in the CERKL gene. It is expected to result in an absent or disrupted protein product. This variant is not present in population databases (ExAC no frequency). This variant has not been reported in the literature in individuals with CERKL-related conditions. Loss-of-function variants in CERKL are known to be pathogenic (PMID: 14681825, 24043777). For these reasons, this variant has been classified as Pathogenic.

Literature cited by the submitters: PubMed 14681825; PubMed 24043777.

NM_201548.5(CERKL):c.1039_1040del (p.Asp347fs)

Gene: CERKL (CERK like autophagy regulator; minus strand). Cytogenetic location: 2q31.3.
Variant type: Microsatellite.
Coding change: c.1039_1040del on transcript NM_201548.5 (MANE Select); coding-DNA positions 1039 to 1040, 2 bases deleted (GA; older notation c.1039_1040delGA).
Protein change: p.Asp347fs; shifts the reading frame from aspartic acid 347.
Molecular consequence: frameshift variant. On other transcripts: non-coding transcript variant (2).
Genome position (GRCh38, 1-based): chr2:181,548,713-181,548,714, TC deleted on the plus strand (GA on the coding strand, the reverse complement: CERKL is on the minus strand); deleting any 2 consecutive bases within chr2:181,548,713-181,548,718 gives the same sequence; the c. name uses the placement nearest the transcript's 3' end. VCF-style (leftmost placement, unchanged base first): chr2-181548712-ATC-A. GRCh37 (hg19) VCF-style: chr2-182413439-ATC-A.
Other names: c.1117_1118del, p.Asp373fs (NM_001030311.3); c.700_701del, p.Asp234fs (NM_001030312.3); c.832_833del, p.Asp278fs (NM_001030313.3); c.985_986del, p.Asp329fs (NM_001160277.2); short protein forms D234fs, D278fs, D329fs, D347fs, D373fs.
Identifiers: ClinVar variation 1068857 (VCV001068857.7), dbSNP rs2105803798, ClinGen allele CA2580616644.